The following is an entry in ClinVar:

NM_020831.6(MRTFA):c.1913C>T (p.Thr638Met)

Gene: MRTFA (myocardin related transcription factor A; minus strand). Cytogenetic location: 22q13.1.
Variant type: single nucleotide variant.
Coding change: c.1913C>T on transcript NM_020831.6 (MANE Select); coding-DNA position 1913, C replaced by T.
Protein change: p.Thr638Met; replaces threonine 638 with methionine.
Molecular consequence: missense variant.
Genome position (GRCh38, 1-based): chr22:40,418,825, G>A on the plus strand (C>T on the coding strand, the complement: MRTFA is on the minus strand). VCF-style: chr22-40418825-G-A. GRCh37 (hg19) VCF-style: chr22-40814829-G-A.
Other names: c.1613C>T, p.Thr538Met (NM_001282660.2); c.1763C>T, p.Thr588Met (NM_001282661.3); c.1913C>T, p.Thr638Met (NM_001282662.3); c.1718C>T, p.Thr573Met (NM_001318139.2); c.1613C>T (NM_020831.3); short protein forms T538M, T573M, T588M, T638M.
Identifiers: ClinVar variation 1683016 (VCV001683016.7), dbSNP rs764365801, ClinGen allele CA10249501.
Genomic context (GRCh38, chr22:40,418,825, plus strand): 5'-TCCTGCTCCAGCTGCAGCTTGAGCCGCTCCACCAGCTGCTGCTTCTGCCGGAGCATGCGC[G>A]TCAGCGCCTCGATCTGCTTGTCTTTCTCCTGCAGCATCTGGTCCTTGTCGCGCCCCTCTA-3'
Protein context (NP_065882.2, residues 628-648): QEKDKQIEAL[Thr638Met]RMLRQKQQLV

ClinVar aggregate classification (germline): Uncertain significance. Review status: criteria provided, multiple submitters, no conflicts (2 of 4 stars). 2 submissions from 2 submitters: Uncertain significance (2). Last evaluated 2026-01-14.

Allele frequency attached by ClinVar (database versions not stated): gnomAD 0.00002; TOPMed 0.00004; ExAC 0.00005; gnomAD exomes 0.00005.
gnomAD v4.1: 76 of 1,610,978 alleles (0.0047%); highest among the groups gnomAD compares: Middle Eastern, 0.016%; no homozygotes.

Submissions (2):

Labcorp Genetics (formerly Invitae), Labcorp
Classification: Uncertain significance. Last evaluated: 2026-01-14. Review status: criteria provided, single submitter. Criteria: Invitae Variant Classification Sherloc (09022015). Collection method: clinical testing. Allele origin: germline.
Comment: This sequence change replaces threonine, which is neutral and polar, with methionine, which is neutral and non-polar, at codon 538 of the MKL1 protein (p.Thr538Met). This variant is present in population databases (rs764365801, gnomAD 0.01%). This variant has not been reported in the literature in individuals affected with MKL1-related conditions. ClinVar contains an entry for this variant (Variation ID: 1683016). An algorithm developed to predict the effect of missense changes on protein structure and function (PolyPhen-2) suggests that this variant is likely to be disruptive. In summary, the available evidence is currently insufficient to determine the role of this variant in disease. Therefore, it has been classified as a Variant of Uncertain Significance.

Ambry Genetics
Classification: Uncertain significance. Last evaluated: 2025-01-21. Review status: criteria provided, single submitter. Criteria: Ambry Variant Classification Scheme 2023. Collection method: clinical testing. Allele origin: germline.